The following is an entry in ClinVar:

ClinVar aggregate classification (germline): Uncertain significance (1 of 4 stars; one submission).

gnomAD v4.1: 6 of 1,613,600 alleles (0.00037%); highest among the groups gnomAD compares: Admixed American, 0.0033%; no homozygotes.

Submission:

Labcorp Genetics (formerly Invitae), Labcorp
Classification: Uncertain significance. Last evaluated: 2022-02-14. Review status: criteria provided, single submitter. Criteria: Invitae Variant Classification Sherloc (09022015). Collection method: clinical testing. Allele origin: germline.
Comment: This sequence change replaces aspartic acid, which is acidic and polar, with glutamic acid, which is acidic and polar, at codon 3076 of the USH2A protein (p.Asp3076Glu). This variant is present in population databases (no rsID available, gnomAD 0.007%). This missense change has been observed in individual(s) with clinical features of Usher syndrome (PMID: 22135276). Algorithms developed to predict the effect of missense changes on protein structure and function output the following: SIFT: "Tolerated"; PolyPhen-2: "Benign"; Align-GVGD: "Class C0". The glutamic acid amino acid residue is found in multiple mammalian species, which suggests that this missense change does not adversely affect protein function. In summary, the available evidence is currently insufficient to determine the role of this variant in disease. Therefore, it has been classified as a Variant of Uncertain Significance.

Literature cited by the submitters: PubMed 22135276.

NM_206933.4(USH2A):c.9228C>A (p.Asp3076Glu)

Gene: USH2A (usherin; minus strand). Cytogenetic location: 1q41.
Variant type: single nucleotide variant.
Coding change: c.9228C>A on transcript NM_206933.4 (MANE Select); coding-DNA position 9228, C replaced by A.
Protein change: p.Asp3076Glu; replaces aspartic acid 3076 with glutamic acid.
Molecular consequence: missense variant.
Genome position (GRCh38, 1-based): chr1:215,844,324, G>T on the plus strand (C>A on the coding strand, the complement: USH2A is on the minus strand). VCF-style: chr1-215844324-G-T. GRCh37 (hg19) VCF-style: chr1-216017666-G-T.
Other names: short protein forms D3076E.
Identifiers: ClinVar variation 2183809 (VCV002183809.1), dbSNP rs186421333, ClinGen allele CA344838546.